The following is an entry in ClinVar:

NM_006397.3(RNASEH2A):c.705del (p.Phe236fs)

Gene: RNASEH2A (ribonuclease H2 subunit A; plus strand). Cytogenetic location: 19p13.13.
Variant type: Deletion.
Coding change: c.705del on transcript NM_006397.3 (MANE Select); coding-DNA position 705, one base deleted (G; older notation c.705delG).
Protein change: p.Phe236fs; shifts the reading frame from phenylalanine 236.
Molecular consequence: frameshift variant.
Genome position (GRCh38, 1-based): chr19:12,813,150, G deleted; the last of 2 consecutive G bases (chr19:12,813,149-12,813,150); deleting either gives the same sequence. VCF-style (leftmost placement, unchanged base first): chr19-12813148-CG-C. GRCh37 (hg19) VCF-style: chr19-12923962-CG-C.
Other names: short protein forms F236fs.
Identifiers: ClinVar variation 1976132 (VCV001976132.2), dbSNP rs2512479898, ClinGen allele CA2580096488.
Genomic context (GRCh38, chr19:12,813,148, plus strand): 5'-AAGACAAAAGCGTGGTTGAAGGAGCACGTGGAGCCTGTGTTCGGCTTCCCCCAGTTTGTC[CG>C]GTTCAGCTGGCGCACGGCCCAGACCATCCTGGAGAAAGAGGCGGAAGATGTTATATGGTG-3'

ClinVar aggregate classification (germline): Uncertain significance (1 of 4 stars; one submission).

Conditions:
Aicardi-Goutieres syndrome 4. Identifiers: Orphanet 51, MedGen C1835912, MONDO:0012472, OMIM 610333.

Submission:

Labcorp Genetics (formerly Invitae), Labcorp
Classification: Uncertain significance for Aicardi-Goutieres syndrome 4. Last evaluated: 2021-12-08. Review status: criteria provided, single submitter. Criteria: Invitae Variant Classification Sherloc (09022015). Collection method: clinical testing. Allele origin: germline.
Comment: This sequence change results in a frameshift in the RNASEH2A gene (p.Phe236Serfs*80). While this is not anticipated to result in nonsense mediated decay, it is expected to disrupt the last 64 amino acid(s) of the RNASEH2A protein and extend the protein by 15 additional amino acid residues. This variant is not present in population databases (gnomAD no frequency). This variant has not been reported in the literature in individuals affected with RNASEH2A-related conditions. Experimental studies and prediction algorithms are not available or were not evaluated, and the functional significance of this variant is currently unknown. In summary, the available evidence is currently insufficient to determine the role of this variant in disease. Therefore, it has been classified as a Variant of Uncertain Significance.